The following is an entry in ClinVar:

NM_013435.3(RAX):c.197G>C (p.Arg66Thr)

Gene: RAX (retina and anterior neural fold homeobox; minus strand). Cytogenetic location: 18q21.32.
Variant type: single nucleotide variant.
Coding change: c.197G>C on transcript NM_013435.3 (MANE Select); coding-DNA position 197, G replaced by C.
Protein change: p.Arg66Thr; replaces arginine 66 with threonine.
Molecular consequence: missense variant.
Genome position (GRCh38, 1-based): chr18:59,273,010, C>G on the plus strand (G>C on the coding strand, the complement: RAX is on the minus strand). VCF-style: chr18-59273010-C-G. GRCh37 (hg19) VCF-style: chr18-56940242-C-G.
Other names: short protein forms R66T.
Identifiers: ClinVar variation 496932 (VCV000496932.31), dbSNP rs536765190, ClinGen allele CA8979421.

ClinVar aggregate classification (germline): Conflicting classifications of pathogenicity. Review status: criteria provided, conflicting classifications (1 of 4 stars). 8 submissions from 8 submitters: Uncertain significance (3); Likely benign (4). 1 of the submissions does not count toward it. Last evaluated 2026-07-01.

Conditions:
Isolated microphthalmia 3 (MCOPS16). Also called: MICROPHTHALMIA, SYNDROMIC 16. Identifiers: Orphanet 2542, MedGen C5774181, MONDO:0012604, OMIM 611038.
RAX-related disorder. Also called: RAX-related condition.

Allele frequency attached by ClinVar (database versions not stated): ExAC 0.00083; 1000 Genomes Project 30x 0.00109; gnomAD exomes 0.00210 and 0.00385; TOPMed 0.00221; gnomAD 0.00253 and 0.00260.

Submissions (8):

CeGaT Center for Human Genetics Tuebingen
Classification: Likely benign. Last evaluated: 2026-07-01. Review status: criteria provided, single submitter. Criteria: CeGaT Center For Human Genetics Tuebingen Variant Classification Criteria Version 2. Collection method: clinical testing. Allele origin: germline. Affected: yes. Observed: 2 variant alleles.
Comment: RAX: BS2

Labcorp Genetics (formerly Invitae), Labcorp
Classification: Likely benign for Isolated microphthalmia 3. Last evaluated: 2026-01-25. Review status: criteria provided, single submitter. Criteria: Invitae Variant Classification Sherloc (09022015). Collection method: clinical testing. Allele origin: germline.

Blueprint Genetics
Classification: Likely benign. Last evaluated: 2024-11-18. Review status: criteria provided, single submitter. Criteria: ACMG Guidelines, 2015. Collection method: clinical testing. Allele origin: germline.

Department of Pathology and Laboratory Medicine, Sinai Health System
Classification: Uncertain significance for Isolated microphthalmia 3. Last evaluated: 2023-02-21. Review status: criteria provided, single submitter. Criteria: ACMG Guidelines, 2015. Collection method: research. Allele origin: germline.

GeneDx
Classification: Likely benign. Last evaluated: 2021-03-02. Review status: criteria provided, single submitter. Criteria: GeneDx Variant Classification Process June 2021. Collection method: clinical testing. Allele origin: germline. Affected: yes.
Comment: See Variant Classification Assertion Criteria.

Illumina Laboratory Services, Illumina
Classification: Uncertain significance for Isolated microphthalmia 3. Last evaluated: 2017-04-27. Review status: criteria provided, single submitter. Criteria: ICSL Variant Classification Criteria 13 December 2019. Collection method: clinical testing. Allele origin: germline.
Comment: This variant was observed as part of a predisposition screen in an ostensibly healthy population. A literature search was performed for the gene, cDNA change, and amino acid change (where applicable). Publications were found based on this search. However, the evidence from the literature, in combination with allele frequency data from public databases where available, was not sufficient to rule this variant in or out of causing disease. Therefore, this variant is classified as a variant of unknown significance.

Eurofins Ntd Llc (ga)
Classification: Uncertain significance. Last evaluated: 2017-01-27. Review status: criteria provided, single submitter. Criteria: EGL Classification Definitions 2015. Collection method: clinical testing. Allele origin: germline. Observed: 5 variant alleles, 5 heterozygotes.

PreventionGenetics, part of Exact Sciences
Classification: Likely benign for RAX-related condition. Last evaluated: 2019-07-30. Review status: no assertion criteria provided. Collection method: clinical testing. Allele origin: germline. Not counted in ClinVar's aggregate classification.
Comment: This variant is classified as likely benign based on ACMG/AMP sequence variant interpretation guidelines (Richards et al. 2015 PMID: 25741868, with internal and published modifications).

Literature cited by the submitters: PubMed 19158959 (cited by Illumina Laboratory Services, Illumina).